The following is an entry in ClinVar:

ClinVar aggregate classification (germline): Uncertain significance (1 of 4 stars; one submission).

Submission:

Labcorp Genetics (formerly Invitae), Labcorp
Classification: Uncertain significance. Last evaluated: 2025-09-20. Review status: criteria provided, single submitter. Criteria: Invitae Variant Classification Sherloc (09022015). Collection method: clinical testing. Allele origin: germline.
Comment: This sequence change replaces alanine, which is neutral and non-polar, with serine, which is neutral and polar, at codon 430 of the POLE protein (p.Ala430Ser). This variant is not present in population databases (gnomAD no frequency). This variant has not been reported in the literature in individuals affected with POLE-related conditions. ClinVar contains an entry for this variant (Variation ID: 844011). Invitae Evidence Modeling of protein sequence and biophysical properties (such as structural, functional, and spatial information, amino acid conservation, physicochemical variation, residue mobility, and thermodynamic stability) indicates that this missense variant is not expected to disrupt POLE protein function with a negative predictive value of 80%. In summary, the available evidence is currently insufficient to determine the role of this variant in disease. Therefore, it has been classified as a Variant of Uncertain Significance.

NM_006231.4(POLE):c.1288G>T (p.Ala430Ser)

Gene: POLE (DNA polymerase epsilon, catalytic subunit; minus strand). Cytogenetic location: 12q24.33.
Variant type: single nucleotide variant.
Coding change: c.1288G>T on transcript NM_006231.4 (MANE Select); coding-DNA position 1288, G replaced by T.
Protein change: p.Ala430Ser; replaces alanine 430 with serine.
Molecular consequence: missense variant.
Genome position (GRCh38, 1-based): chr12:132,673,646, C>A on the plus strand (G>T on the coding strand, the complement: POLE is on the minus strand). VCF-style: chr12-132673646-C-A. GRCh37 (hg19) VCF-style: chr12-133250232-C-A.
Other names: short protein forms A430S.
Identifiers: ClinVar variation 844011 (VCV000844011.7), dbSNP rs140566004, ClinGen allele CA387359469.